The following is an entry in ClinVar:

ClinVar aggregate classification (germline): Pathogenic (1 of 4 stars; one submission).

Submission:

GeneDx
Classification: Pathogenic. Last evaluated: 2018-02-23. Review status: criteria provided, single submitter. Criteria: GeneDx Variant Classification (06012015). Collection method: clinical testing. Allele origin: germline. Affected: yes.
Comment: The c.1516+1G>C variant in the OPA1 gene has been reported previously in an individual with optic atrophy (Schimpf et al., 2008). This splice site variant destroys the canonical splice donor site in intron 15. It is predicted to cause abnormal gene splicing, either leading to an abnormal message that is subject to nonsense-mediated mRNA decay, or to an abnormal protein product if the message is used for protein translation. In addition, a splicing variant at the same residue (c.1516+1G>T) has been reported in the heterozygous state in a large family with optic atropy, supporting the functional importance of this region of the protein (Toomes et al., 2001). The c.1516+1G>C variant is not observed in large population cohorts (Lek et al., 2016). We interpret c.1516+1G>C as a pathogenic variant.

NM_130837.3(OPA1):c.1681+1G>C

Gene: OPA1 (OPA1 mitochondrial dynamin like GTPase; plus strand). Cytogenetic location: 3q29.
Variant type: single nucleotide variant.
Coding change: c.1681+1G>C on transcript NM_130837.3 (MANE Select); the canonical splice donor site of the intron after coding-DNA position 1681, G replaced by C.
Molecular consequence: splice donor variant.
Genome position (GRCh38, 1-based): chr3:193,645,626, G>C. VCF-style: chr3-193645626-G-C. GRCh37 (hg19) VCF-style: chr3-193363415-G-C.
Other names: c.1144+1G>C (NM_001354664.2); c.1147+1G>C (NM_001354663.2); c.1570+1G>C (NM_130834.3); c.1627+1G>C (NM_130836.3); c.1516+1G>C (NM_015560.3); c.1573+1G>C (NM_130835.3); c.1462+1G>C (NM_130832.3); c.1519+1G>C (NM_130833.3); and 1 more.
Identifiers: ClinVar variation 503679 (VCV000503679.2), dbSNP rs886041318, ClinGen allele CA355790154.
Genomic context (GRCh38, chr3:193,645,626, plus strand): 5'-TTGAAGGAAAGCTCTTCCCAATGAAAGCTTTAGGTTATTTTGCTGTTGTAACAGGAAAAG[G>C]TATGCAAAGATGGATTATAATAACTTATTTTTAGTTTCTGTTGTTTTCAAATAATAAAGA-3'